The following is an entry in ClinVar:

ClinVar aggregate classification (germline): Likely benign. Review status: criteria provided, multiple submitters, no conflicts (2 of 4 stars). 2 submissions from 2 submitters: Likely benign (2). Last evaluated 2025-09-03.

Allele frequency attached by ClinVar (database versions not stated): TOPMed 0.00010; 1000 Genomes Project 0.00020; 1000 Genomes Project 30x 0.00031.
gnomAD v4.1: 188 of 1,613,302 alleles (0.012%); highest among the groups gnomAD compares: Admixed American, 0.032%; no homozygotes.

Submissions (2):

Labcorp Genetics (formerly Invitae), Labcorp
Classification: Likely benign. Last evaluated: 2025-09-03. Review status: criteria provided, single submitter. Criteria: Invitae Variant Classification Sherloc (09022015). Collection method: clinical testing. Allele origin: germline.

CeGaT Center for Human Genetics Tuebingen
Classification: Likely benign. Last evaluated: 2022-08-01. Review status: criteria provided, single submitter. Criteria: CeGaT Center For Human Genetics Tuebingen Variant Classification Criteria Version 2. Collection method: clinical testing. Allele origin: germline. Affected: yes. Observed: 1 variant allele.
Comment: KRT17: BP4, BP7

NM_000422.3(KRT17):c.447C>G (p.Thr149=)

Gene: KRT17 (keratin 17; minus strand). Cytogenetic location: 17q21.2.
Variant type: single nucleotide variant.
Coding change: c.447C>G on transcript NM_000422.3 (MANE Select); coding-DNA position 447, C replaced by G.
Protein change: p.Thr149=; no amino-acid change (threonine 149 retained).
Molecular consequence: synonymous variant.
Genome position (GRCh38, 1-based): chr17:41,623,018, G>C on the plus strand (C>G on the coding strand, the complement: KRT17 is on the minus strand). VCF-style: chr17-41623018-G-C. GRCh37 (hg19) VCF-style: chr17-39779270-G-C.
Identifiers: ClinVar variation 793466 (VCV000793466.29), dbSNP rs150822982, ClinGen allele CA8563733.
Genomic context (GRCh38, chr17:41,623,018, plus strand): 5'-GAAGTCATCAGCAGCCAGACGGGCATTGTCAATCTGTAGCAGGATGTTGGCATTGTCCAC[G>C]GTGGCTGTGAGGATCTGAGGAGAAGGGAGAGTAGTCAGGTCATTGGATGGGGGTGGCTGA-3'
Protein context (NP_000413.1, residues 139-159): EELQNKILTA[Thr149=]VDNANILLQI